The following is an entry in ClinVar:

NM_001197104.2(KMT2A):c.7666A>C (p.Thr2556Pro)

Gene: KMT2A (lysine methyltransferase 2A; plus strand). Cytogenetic location: 11q23.3.
Variant type: single nucleotide variant.
Coding change: c.7666A>C on transcript NM_001197104.2 (MANE Select); coding-DNA position 7666, A replaced by C.
Protein change: p.Thr2556Pro; replaces threonine 2556 with proline.
Molecular consequence: missense variant.
Genome position (GRCh38, 1-based): chr11:118,503,558, A>C. VCF-style: chr11-118503558-A-C. GRCh37 (hg19) VCF-style: chr11-118374273-A-C.
Other names: c.7756A>C, p.Thr2586Pro (NM_001412597.1); c.7657A>C, p.Thr2553Pro (NM_005933.4); short protein forms T2553P, T2586P, T2556P.
Identifiers: ClinVar variation 2868081 (VCV002868081.4), dbSNP rs374626588, ClinGen allele CA6304421.

ClinVar aggregate classification (germline): Uncertain significance. Review status: criteria provided, multiple submitters, no conflicts (2 of 4 stars). 2 submissions from 2 submitters: Uncertain significance (2). Last evaluated 2023-10-09.

Allele frequency attached by ClinVar (database versions not stated): ExAC 0.00002; ESP Exome Variant Server 0.00008.
gnomAD v4.1: 2 of 1,614,054 alleles (0.00012%); highest among the groups gnomAD compares: African/African-American, 0.0027%; no homozygotes.

Submissions (2):

GeneDx
Classification: Uncertain significance. Last evaluated: 2023-10-09. Review status: criteria provided, single submitter. Criteria: GeneDx Variant Classification Process June 2021. Collection method: clinical testing. Allele origin: germline. Affected: yes.
Comment: In silico analysis supports that this missense variant does not alter protein structure/function; Has not been previously published as pathogenic or benign to our knowledge

Labcorp Genetics (formerly Invitae), Labcorp
Classification: Uncertain significance. Last evaluated: 2023-08-27. Review status: criteria provided, single submitter. Criteria: Invitae Variant Classification Sherloc (09022015). Collection method: clinical testing. Allele origin: germline.
Comment: In summary, the available evidence is currently insufficient to determine the role of this variant in disease. Therefore, it has been classified as a Variant of Uncertain Significance. Advanced modeling of protein sequence and biophysical properties (such as structural, functional, and spatial information, amino acid conservation, physicochemical variation, residue mobility, and thermodynamic stability) performed at Invitae indicates that this missense variant is not expected to disrupt KMT2A protein function. This variant has not been reported in the literature in individuals affected with KMT2A-related conditions. This variant is present in population databases (rs374626588, gnomAD 0.01%). This sequence change replaces threonine, which is neutral and polar, with proline, which is neutral and non-polar, at codon 2556 of the KMT2A protein (p.Thr2556Pro).